The following is an entry in ClinVar:

ClinVar aggregate classification (germline): Uncertain significance. Review status: criteria provided, multiple submitters, no conflicts (2 of 4 stars). 2 submissions from 2 submitters: Uncertain significance (2). Last evaluated 2025-05-02.

Conditions:
Thrombophilia due to protein C deficiency, autosomal dominant. Also called: PROC DEFICIENCY, AUTOSOMAL DOMINANT; PROTEIN C DEFICIENCY, AUTOSOMAL DOMINANT. Identifiers: Orphanet 745, MedGen C2674321, MONDO:0008316, OMIM 176860. Disease mechanism: loss of function.
PROC-related disorder. Also called: PROC-related condition.

Submissions (2):

PreventionGenetics, part of Exact Sciences
Classification: Uncertain significance for PROC-related condition. Last evaluated: 2025-05-02. Review status: criteria provided, single submitter. Criteria: ACMG Guidelines, 2015. Collection method: clinical testing. Allele origin: germline.
Comment: The PROC c.965A>G variant is predicted to result in the amino acid substitution p.Asp322Gly. This variant was reported in an individual with protein C deficiency (reported asp.Asp280Gly in Caspers et al 2012. PubMed ID: 22627591). This variant has not been reported in a large population database, indicating this variant is rare. At this time, the clinical significance of this variant is uncertain due to the absence of conclusive functional and genetic evidence.

Labcorp Genetics (formerly Invitae), Labcorp
Classification: Uncertain significance for Thrombophilia due to protein C deficiency, autosomal dominant. Last evaluated: 2023-06-03. Review status: criteria provided, single submitter. Criteria: Invitae Variant Classification Sherloc (09022015). Collection method: clinical testing. Allele origin: germline.
Comment: Advanced modeling of protein sequence and biophysical properties (such as structural, functional, and spatial information, amino acid conservation, physicochemical variation, residue mobility, and thermodynamic stability) performed at Invitae indicates that this missense variant is not expected to disrupt PROC protein function. This sequence change replaces aspartic acid, which is acidic and polar, with glycine, which is neutral and non-polar, at codon 322 of the PROC protein (p.Asp322Gly). This variant is not present in population databases (gnomAD no frequency). This missense change has been observed in individual(s) with Protein C deficiency disease (PMID: 22627591; Invitae). This variant is also known as p.Asp280Gly. ClinVar contains an entry for this variant (Variation ID: 2203148). In summary, the available evidence is currently insufficient to determine the role of this variant in disease. Therefore, it has been classified as a Variant of Uncertain Significance.

Literature cited by the submitters: PubMed 22627591 (cited by Labcorp Genetics (formerly Invitae), Labcorp).

NM_000312.4(PROC):c.965A>G (p.Asp322Gly)

Gene: PROC (protein C, inactivator of coagulation factors Va and VIIIa; plus strand). Cytogenetic location: 2q14.3.
Variant type: single nucleotide variant.
Coding change: c.965A>G on transcript NM_000312.4 (MANE Select); coding-DNA position 965, A replaced by G.
Protein change: p.Asp322Gly; replaces aspartic acid 322 with glycine.
Molecular consequence: missense variant.
Genome position (GRCh38, 1-based): chr2:127,428,525, A>G. VCF-style: chr2-127428525-A-G. GRCh37 (hg19) VCF-style: chr2-128186101-A-G.
Other names: c.1148A>G, p.Asp383Gly (NM_001375602.1); c.1130A>G, p.Asp377Gly (NM_001375603.1); c.1028A>G, p.Asp343Gly (NM_001375604.1); c.1067A>G, p.Asp356Gly (NM_001375605.1); c.1133A>G, p.Asp378Gly (NM_001375606.1); c.1151A>G, p.Asp384Gly (NM_001375607.1); c.908A>G, p.Asp303Gly (NM_001375608.1); c.941A>G, p.Asp314Gly (NM_001375609.1); and 2 more; short protein forms D303G, D343G, D356G, D384G, D314G, D383G, D377G, D320G.
Identifiers: ClinVar variation 2203148 (VCV002203148.7), dbSNP rs2104982325, ClinGen allele CA348405121.
Genomic context (GRCh38, chr2:127,428,525, plus strand): 5'-TGCTGCACCTGGCCCAGCCCGCCACCCTCTCGCAGACCATAGTGCCCATCTGCCTCCCGG[A>G]CAGCGGCCTTGCAGAGCGCGAGCTCAATCAGGCCGGCCAGGAGACCCTCGTGACGGGCTG-3'
Protein context (NP_000303.1, residues 312-332): SQTIVPICLP[Asp322Gly]SGLAERELNQ